The following is an entry in ClinVar:

ClinVar aggregate classification (germline): Uncertain significance (1 of 4 stars; one submission).

Submission:

Labcorp Genetics (formerly Invitae), Labcorp
Classification: Uncertain significance. Last evaluated: 2022-10-03. Review status: criteria provided, single submitter. Criteria: Invitae Variant Classification Sherloc (09022015). Collection method: clinical testing. Allele origin: germline.
Comment: In summary, the available evidence is currently insufficient to determine the role of this variant in disease. Therefore, it has been classified as a Variant of Uncertain Significance. Advanced modeling of protein sequence and biophysical properties (such as structural, functional, and spatial information, amino acid conservation, physicochemical variation, residue mobility, and thermodynamic stability) performed at Invitae indicates that this missense variant is expected to disrupt FREM2 protein function. ClinVar contains an entry for this variant (Variation ID: 1406321). This variant has not been reported in the literature in individuals affected with FREM2-related conditions. This variant is not present in population databases (gnomAD no frequency). This sequence change replaces proline, which is neutral and non-polar, with leucine, which is neutral and non-polar, at codon 2675 of the FREM2 protein (p.Pro2675Leu).

NM_207361.6(FREM2):c.8024C>T (p.Pro2675Leu)

Gene: FREM2 (FRAS1 related extracellular matrix 2; plus strand). Cytogenetic location: 13q13.3.
Variant type: single nucleotide variant.
Coding change: c.8024C>T on transcript NM_207361.6 (MANE Select); coding-DNA position 8024, C replaced by T.
Protein change: p.Pro2675Leu; replaces proline 2675 with leucine.
Molecular consequence: missense variant.
Genome position (GRCh38, 1-based): chr13:38,872,782, C>T. VCF-style: chr13-38872782-C-T. GRCh37 (hg19) VCF-style: chr13-39446919-C-T.
Other names: short protein forms P2675L.
Identifiers: ClinVar variation 1406321 (VCV001406321.6), dbSNP rs1357205318, ClinGen allele CA387903308.